The following is an entry in ClinVar:

NM_001130438.3(SPTAN1):c.1060C>T (p.His354Tyr)

Gene: SPTAN1 (spectrin alpha, non-erythrocytic 1; plus strand). Cytogenetic location: 9q34.11.
Variant type: single nucleotide variant.
Coding change: c.1060C>T on transcript NM_001130438.3 (MANE Select); coding-DNA position 1060, C replaced by T.
Protein change: p.His354Tyr; replaces histidine 354 with tyrosine.
Molecular consequence: missense variant.
Genome position (GRCh38, 1-based): chr9:128,577,481, C>T. VCF-style: chr9-128577481-C-T. GRCh37 (hg19) VCF-style: chr9-131339760-C-T.
Other names: c.1060C>T, p.His354Tyr (NM_001195532.2, NM_001363759.2, NM_001363765.2 and 5 more transcripts); c.1096C>T, p.His366Tyr (NM_001375312.2, NM_001375318.1); short protein forms H354Y, H366Y.
Identifiers: ClinVar variation 3709919 (VCV003709919.2).
Genomic context (GRCh38, chr9:128,577,481, plus strand): 5'-GTGAAGCGAGAGGAACTGATTACAAACTGGGAGCAGATCCGCACCTTGGCGGCAGAGAGA[C>T]ATGCACGGCTCAATGATTCATACAGGTGCAAATAATGCTCCAGGTCTTAACCAGTATCAT-3'
Protein context (NP_001123910.1, residues 344-364): EQIRTLAAER[His354Tyr]ARLNDSYRLQ

ClinVar aggregate classification (germline): Uncertain significance (1 of 4 stars; one submission).

Conditions:
Early-infantile DEE. Also called: Early infantile epileptic encephalopathy; Early infantile epileptic encephalopathy with suppression bursts; Ohtahara syndrome. Identifiers: Orphanet 1934, MedGen C0393706, MONDO:0800491.

gnomAD v4.1: 6 of 1,613,978 alleles (0.00037%); highest among the groups gnomAD compares: Non-Finnish European, 0.00051%; no homozygotes.

Submission:

Labcorp Genetics (formerly Invitae), Labcorp
Classification: Uncertain significance for Early-infantile DEE. Last evaluated: 2025-01-27. Review status: criteria provided, single submitter. Criteria: Invitae Variant Classification Sherloc (09022015). Collection method: clinical testing. Allele origin: germline.
Comment: This sequence change replaces histidine, which is basic and polar, with tyrosine, which is neutral and polar, at codon 354 of the SPTAN1 protein (p.His354Tyr). This variant is present in population databases (no rsID available, gnomAD 0.0009%). This variant has not been reported in the literature in individuals affected with SPTAN1-related conditions. Invitae Evidence Modeling of protein sequence and biophysical properties (such as structural, functional, and spatial information, amino acid conservation, physicochemical variation, residue mobility, and thermodynamic stability) has been performed for this missense variant. However, the output from this modeling did not meet the statistical confidence thresholds required to predict the impact of this variant on SPTAN1 protein function. In summary, the available evidence is currently insufficient to determine the role of this variant in disease. Therefore, it has been classified as a Variant of Uncertain Significance.